The following is an entry in ClinVar:

NM_000384.3(APOB):c.3471T>C (p.Tyr1157=)

Gene: APOB (apolipoprotein B; minus strand). Cytogenetic location: 2p24.1.
Variant type: single nucleotide variant.
Coding change: c.3471T>C on transcript NM_000384.3 (MANE Select); coding-DNA position 3471, T replaced by C.
Protein change: p.Tyr1157=; no amino-acid change (tyrosine 1157 retained).
Molecular consequence: synonymous variant.
Genome position (GRCh38, 1-based): chr2:21,015,407, A>G on the plus strand (T>C on the coding strand, the complement: APOB is on the minus strand). VCF-style: chr2-21015407-A-G. GRCh37 (hg19) VCF-style: chr2-21238279-A-G.
Identifiers: ClinVar variation 334154 (VCV000334154.37), dbSNP rs201128198, ClinGen allele CA058895.
Genomic context (GRCh38, chr2:21,015,407, plus strand): 5'-CACACAGGGGAAGAGACACATACCATAATGCCATGCCACCCTCTTGGAAACTGTGGAGCC[A>G]TAAGCTGTAGCAGATGAGTCCATTTGGAGAAGCAGTTTGGCAGGCGACCAGTGGGCGAGG-3'
Protein context (NP_000375.3, residues 1147-1167): LLQMDSSATA[Tyr1157=]GSTVSKRVAW

ClinVar aggregate classification (germline): Conflicting classifications of pathogenicity. Review status: criteria provided, conflicting classifications (1 of 4 stars). 8 submissions from 7 submitters: Uncertain significance (1); Benign (1); Likely benign (5). 1 of the submissions does not count toward it. Last evaluated 2026-04-27.

Conditions:
Familial hypercholesterolemia. Also called: Familial hypercholesterolemias; Familial hypercholesterolaemia. Identifiers: MedGen C0020445, MONDO:0005439.
Hypercholesterolemia, autosomal dominant, type B (FHCL2). Also called: Familial Hypercholesterolemia Type B; APOLIPOPROTEIN B-100, FAMILIAL DEFECTIVE; APOLIPOPROTEIN B-100, FAMILIAL LIGAND-DEFECTIVE; HYPERCHOLESTEROLEMIA, FAMILIAL, DUE TO LIGAND-DEFECTIVE APOLIPOPROTEIN B; APOB-Related Familial Hypercholesterolemia, Autosomal Dominant; Familial hypercholesterolemia 2. Identifiers: MedGen C1704417, MONDO:0007751, OMIM 144010.
Familial hypobetalipoproteinemia 1. Also called: Hypobetalipoproteinemia, normotriglyceridemic; Acanthocytosis with hypobetalipoproteinemia; APOB-Related Familial Hypobetalipoproteinemia. Identifiers: MedGen C4551990, MONDO:0014252, OMIM 615558.
APOB-related disorder. Also called: APOB-related condition; APOB-related disorders.
Cardiovascular phenotype. Identifiers: MedGen CN230736.

Allele frequency attached by ClinVar (database versions not stated): gnomAD exomes 0.00031 and 0.00010; 1000 Genomes Project 30x 0.00094; 1000 Genomes Project 0.00100; gnomAD 0.00009 and 0.00011; TOPMed 0.00016; ExAC 0.00030.
gnomAD v4.1: 169 of 1,614,258 alleles (0.01%); highest among the groups gnomAD compares: East Asian, 0.35%; no homozygotes.

Submissions (8):

GENinCode PLC
Classification: Likely benign for Familial hypercholesterolemia. Last evaluated: 2026-04-27. Review status: criteria provided, single submitter. Criteria: ACMG Guidelines, 2015. Collection method: clinical testing. Allele origin: germline.
Comment: This is a synonymous (silent) variant that is not predicted to impact splicing and occurs at a nucleotide which is not highly conserved. In addition, it has a PopMax FAF which is greater than expected for this disorder. This variant has been classified as Likely Benign (BS1, BP4, BP7).

Labcorp Genetics (formerly Invitae), Labcorp
Classification: Benign for Familial hypobetalipoproteinemia 1; Hypercholesterolemia, autosomal dominant, type B. Last evaluated: 2026-01-28. Review status: criteria provided, single submitter. Criteria: Invitae Variant Classification Sherloc (09022015). Collection method: clinical testing. Allele origin: germline.

Blueprint Genetics
Classification: Likely benign. Last evaluated: 2024-02-29. Review status: criteria provided, single submitter. Criteria: ACMG Guidelines, 2015. Collection method: clinical testing. Allele origin: germline.

Quest Diagnostics Nichols Institute San Juan Capistrano
Classification: Likely benign. Last evaluated: 2023-01-12. Review status: criteria provided, single submitter. Criteria: Quest Diagnostics criteria. Collection method: clinical testing. Allele origin: unknown.

Ambry Genetics
Classification: Likely benign for Cardiovascular phenotype. Last evaluated: 2022-09-24. Review status: criteria provided, single submitter. Criteria: Ambry Variant Classification Scheme 2023. Collection method: clinical testing. Allele origin: germline.

Illumina Laboratory Services, Illumina
Classification: Uncertain significance for Familial hypobetalipoproteinemia 1. Last evaluated: 2018-01-13. Review status: criteria provided, single submitter. Criteria: ICSL Variant Classification Criteria 13 December 2019. Collection method: clinical testing. Allele origin: germline.

Illumina Laboratory Services, Illumina
Classification: Likely benign for Hypercholesterolemia, autosomal dominant, type B. Last evaluated: 2018-01-13. Review status: criteria provided, single submitter. Criteria: ICSL Variant Classification Criteria 13 December 2019. Collection method: clinical testing. Allele origin: germline.
Comment: This variant was observed in the ICSL laboratory as part of a predisposition screen in an ostensibly healthy population. It had not been previously curated by ICSL or reported in the Human Gene Mutation Database (HGMD: prior to June 1st, 2018), and was therefore a candidate for classification through an automated scoring system. Utilizing variant allele frequency, disease prevalence and penetrance estimates, and inheritance mode, an automated score was calculated to assess if this variant is too frequent to cause the disease. Based on the score and internal cut-off values, a variant classified as likely benign is not then subjected to further curation. The score for this variant resulted in a classification of likely benign for this disease.

PreventionGenetics, part of Exact Sciences
Classification: Likely benign for APOB-related condition. Last evaluated: 2019-03-29. Review status: no assertion criteria provided. Collection method: clinical testing. Allele origin: germline. Not counted in ClinVar's aggregate classification.
Comment: This variant is classified as likely benign based on ACMG/AMP sequence variant interpretation guidelines (Richards et al. 2015 PMID: 25741868, with internal and published modifications).